The following is an entry in ClinVar:

ClinVar aggregate classification (germline): Uncertain significance (1 of 4 stars; one submission).

Conditions:
Inflammatory bowel disease. Identifiers: Orphanet 104012, MedGen C0021390, MONDO:0005265.

Submission:

Labcorp Genetics (formerly Invitae), Labcorp
Classification: Uncertain significance for Inflammatory bowel disease. Last evaluated: 2024-02-23. Review status: criteria provided, single submitter. Criteria: Invitae Variant Classification Sherloc (09022015). Collection method: clinical testing. Allele origin: germline.
Comment: This sequence change replaces leucine, which is neutral and non-polar, with glutamine, which is neutral and polar, at codon 116 of the IL10 protein (p.Leu116Gln). This variant is not present in population databases (gnomAD no frequency). This variant has not been reported in the literature in individuals affected with IL10-related conditions. An algorithm developed to predict the effect of missense changes on protein structure and function (PolyPhen-2) suggests that this variant is likely to be disruptive. In summary, the available evidence is currently insufficient to determine the role of this variant in disease. Therefore, it has been classified as a Variant of Uncertain Significance.

NM_000572.3(IL10):c.347T>A (p.Leu116Gln)

Genes: IL10 (interleukin 10; minus strand), IL19 (interleukin 19; plus strand), LOC129932369 (ATAC-STARR-seq lymphoblastoid active region 2419; plus strand). Cytogenetic location: 1q32.1.
Variant type: single nucleotide variant.
Coding change: c.347T>A on transcript NM_000572.3 (MANE Select); coding-DNA position 347, T replaced by A.
Protein change: p.Leu116Gln; replaces leucine 116 with glutamine.
Molecular consequence: missense variant. On other transcripts: 5 prime UTR variant (1), non-coding transcript variant (1), intron variant (1).
Genome position (GRCh38, 1-based): chr1:206,770,938, A>T on the plus strand (T>A on the coding strand, the complement: IL10 is on the minus strand). VCF-style: chr1-206770938-A-T. GRCh37 (hg19) VCF-style: chr1-206944283-A-T.
Other names: c.-289A>T (NM_153758.5); c.92T>A, p.Leu31Gln (NM_001382624.1); c.-149+108A>T (NM_001393490.1); short protein forms L116Q, L31Q.
Identifiers: ClinVar variation 3639330 (VCV003639330.2).
Genomic context (GRCh38, chr1:206,770,938, plus strand): 5'-GCAAGGGAAAAAACTGATCTGCTACTTACACAGCGCCGTAGCCTCAGCCTGAGGGTCTTC[A>T]GGTTCTCCCCCAGGGAGTTCACATGCGCCTTGATGTCTGGGTCTTGGTTCTCAGCTTGGG-3'
Protein context (NP_000563.1, residues 106-126): KAHVNSLGEN[Leu116Gln]KTLRLRLRRC